The following is an entry in ClinVar:

ClinVar aggregate classification (germline): Uncertain significance. Review status: criteria provided, multiple submitters, no conflicts (2 of 4 stars). 3 submissions from 3 submitters: Uncertain significance (3). Last evaluated 2025-02-13.

Conditions:
Inborn genetic diseases. Identifiers: MedGen C0950123, MeSH D030342.

Allele frequency attached by ClinVar (database versions not stated): ExAC 0.00004; gnomAD 0.00004 and 0.00005; gnomAD exomes 0.00004 and 0.00007; TOPMed 0.00004; ESP Exome Variant Server 0.00015; 1000 Genomes Project 30x 0.00016; 1000 Genomes Project 0.00020.
gnomAD v4.1: 121 of 1,612,856 alleles (0.0075%); highest among the groups gnomAD compares: Non-Finnish European, 0.0092%; no homozygotes.

Submissions (3):

Ambry Genetics
Classification: Uncertain significance for Inborn genetic diseases. Last evaluated: 2025-02-13. Review status: criteria provided, single submitter. Criteria: Ambry Variant Classification Scheme 2023. Collection method: clinical testing. Allele origin: germline.

Blueprint Genetics
Classification: Uncertain significance. Last evaluated: 2024-10-17. Review status: criteria provided, single submitter. Criteria: ACMG Guidelines, 2015. Collection method: clinical testing. Allele origin: germline.

Labcorp Genetics (formerly Invitae), Labcorp
Classification: Uncertain significance. Last evaluated: 2021-09-28. Review status: criteria provided, single submitter. Criteria: Invitae Variant Classification Sherloc (09022015). Collection method: clinical testing. Allele origin: germline.
Comment: This sequence change replaces histidine with arginine at codon 194 of the DRAM2 protein (p.His194Arg). The histidine residue is moderately conserved and there is a small physicochemical difference between histidine and arginine. This variant is present in population databases (rs150398619, ExAC 0.008%). This variant has not been reported in the literature in individuals affected with DRAM2-related conditions. Algorithms developed to predict the effect of missense changes on protein structure and function are either unavailable or do not agree on the potential impact of this missense change (SIFT: "Tolerated"; PolyPhen-2: "Probably Damaging"; Align-GVGD: "Class C0"). In summary, the available evidence is currently insufficient to determine the role of this variant in disease. Therefore, it has been classified as a Variant of Uncertain Significance.

NM_001349884.2(DRAM2):c.581A>G (p.His194Arg)

Gene: DRAM2 (DNA damage regulated autophagy modulator 2; minus strand). Cytogenetic location: 1p13.3.
Variant type: single nucleotide variant.
Coding change: c.581A>G on transcript NM_001349884.2 (MANE Select); coding-DNA position 581, A replaced by G.
Protein change: p.His194Arg; replaces histidine 194 with arginine.
Molecular consequence: missense variant. On other transcripts: non-coding transcript variant (8).
Genome position (GRCh38, 1-based): chr1:111,119,896, T>C on the plus strand (A>G on the coding strand, the complement: DRAM2 is on the minus strand). VCF-style: chr1-111119896-T-C. GRCh37 (hg19) VCF-style: chr1-111662518-T-C.
Other names: c.581A>G (NM_178454.4); c.581A>G, p.His194Arg (NM_001349881.2, NM_001349882.2, NM_001349885.2 and 1 more transcripts); c.311A>G, p.His104Arg (NM_001349886.2, NM_001349887.2, NM_001349888.2); c.191A>G, p.His64Arg (NM_001349889.2, NM_001349890.2, NM_001349891.2 and 2 more transcripts); short protein forms H64R, H194R, H104R.
Identifiers: ClinVar variation 1450137 (VCV001450137.7), dbSNP rs150398619, ClinGen allele CA1001796.
Genomic context (GRCh38, chr1:111,119,896, plus strand): 5'-TCTTTAATATAAAACTAAGTTTATAGACTGTAAGTTCTTACTTTGTCCTCGGGGTTCCAA[T>C]GGAGTTTCTGTTCTAAATCAGTCCCAAAATTGCCACTGTGCAAAACTGATGAGCAAGTCA-3'
Protein context (NP_001336813.1, residues 184-204): NFGTDLEQKL[His194Arg]WNPEDKGYVL